The following is an entry in ClinVar:

ClinVar aggregate classification (germline): Uncertain significance. Review status: criteria provided, multiple submitters, no conflicts (2 of 4 stars). 2 submissions from 2 submitters: Uncertain significance (2). Last evaluated 2025-08-20.

Conditions:
Inborn genetic diseases. Identifiers: MedGen C0950123, MeSH D030342.

Allele frequency attached by ClinVar (database versions not stated): ExAC 0.00012; ESP Exome Variant Server 0.00023; 1000 Genomes Project 30x 0.00047; 1000 Genomes Project 0.00060.
gnomAD v4.1: 87 of 1,613,688 alleles (0.0054%); highest among the groups gnomAD compares: Middle Eastern, 0.15%; no homozygotes.

Submissions (2):

Ambry Genetics
Classification: Uncertain significance for Inborn genetic diseases. Last evaluated: 2025-08-20. Review status: criteria provided, single submitter. Criteria: Ambry Variant Classification Scheme 2023. Collection method: clinical testing. Allele origin: germline.

GeneDx
Classification: Uncertain significance. Last evaluated: 2021-04-05. Review status: criteria provided, single submitter. Criteria: GeneDx Variant Classification Process June 2021. Collection method: clinical testing. Allele origin: germline. Affected: yes.
Comment: Has not been previously published as pathogenic or benign to our knowledge; In silico analysis, which includes protein predictors and evolutionary conservation, supports that this variant does not alter protein structure/function

NM_001797.4(CDH11):c.682G>T (p.Ala228Ser)

Gene: CDH11 (cadherin 11; minus strand). Cytogenetic location: 16q21.
Variant type: single nucleotide variant.
Coding change: c.682G>T on transcript NM_001797.4 (MANE Select); coding-DNA position 682, G replaced by T.
Protein change: p.Ala228Ser; replaces alanine 228 with serine.
Molecular consequence: missense variant.
Genome position (GRCh38, 1-based): chr16:64,991,897, C>A on the plus strand (G>T on the coding strand, the complement: CDH11 is on the minus strand). VCF-style: chr16-64991897-C-A. GRCh37 (hg19) VCF-style: chr16-65025800-C-A.
Other names: c.682G>T, p.Ala228Ser (NM_001308392.2); c.304G>T, p.Ala102Ser (NM_001330576.2); c.682G>T (NM_001797.2); short protein forms A102S, A228S.
Identifiers: ClinVar variation 1194299 (VCV001194299.3), dbSNP rs148083048, ClinGen allele CA8092329.
Genomic context (GRCh38, chr16:64,991,897, plus strand): 5'-GTCCGCCCATATGTCCACCCATGTCCTTGGCCTGGATCACCACGTGGTACTCCTCCTTGG[C>A]CTCCCTGTCCATGTTGGGTAGGGCTGTTCTGATGATACCTGGACAGGTAAGCAGGCAACA-3'
Protein context (NP_001788.2, residues 218-238): RTALPNMDRE[Ala228Ser]KEEYHVVIQA